The following is an entry in ClinVar:

NM_001184880.2(PCDH19):c.97C>A (p.Gln33Lys)

Gene: PCDH19 (protocadherin 19; minus strand). Cytogenetic location: Xq22.1.
Variant type: single nucleotide variant.
Coding change: c.97C>A on transcript NM_001184880.2 (MANE Select); coding-DNA position 97, C replaced by A.
Protein change: p.Gln33Lys; replaces glutamine 33 with lysine.
Molecular consequence: missense variant.
Genome position (GRCh38, 1-based): chrX:100,408,501, G>T on the plus strand (C>A on the coding strand, the complement: PCDH19 is on the minus strand). VCF-style: chrX-100408501-G-T. GRCh37 (hg19) VCF-style: chrX-99663499-G-T.
Other names: c.97C>A, p.Gln33Lys (NM_001105243.2, NM_020766.3); short protein forms Q33K.
Identifiers: ClinVar variation 2502069 (VCV002502069.2), dbSNP rs1928479952, ClinGen allele CA414011383.

ClinVar aggregate classification (germline): Uncertain significance (1 of 4 stars; one submission).

Submission:

GeneDx
Classification: Uncertain significance. Last evaluated: 2026-10-11. Review status: criteria provided, single submitter. Criteria: GeneDx Variant Classification Process June 2021. Collection method: clinical testing. Allele origin: germline.
Comment: Not observed at significant frequency in large population cohorts (gnomAD); In silico analysis supports that this missense variant does not alter protein structure/function; Has not been previously published as pathogenic or benign to our knowledge